The following is an entry in ClinVar:

ClinVar aggregate classification (germline): Likely pathogenic (1 of 4 stars; one submission).

Conditions:
Blepharophimosis - intellectual disability syndrome, SBBYS type (SBBYSS). Also called: Say-Barber-Biesecker variant of Ohdo syndrome (SBBYSS); Say-Barber-Biesecker-Young-Simpson syndrome; Say-Barber-Biesecker-Young-Simpson variant of Ohdo Syndrome; Say-Barber-Biesecker Variant of Ohdo Syndrome; Ohdo syndrome, SBBYS variant; SBBYSS syndrome. Identifiers: Orphanet 3047, MedGen C1863557, MONDO:0011365, OMIM 603736.

Submission:

3billion
Classification: Likely pathogenic for Blepharophimosis - intellectual disability syndrome, SBBYS type. Last evaluated: 2022-09-01. Review status: criteria provided, single submitter. Criteria: ACMG Guidelines, 2015. Collection method: clinical testing. Allele origin: germline. Affected: yes. Observed: 1 heterozygote.
Comment: The variant is not observed in the gnomAD v2.1.1 dataset. Stop-gained (nonsense) is predicted to result in a loss or disruption of normal protein function through nonsense-mediated decay (NMD) or protein truncation. Multiple pathogenic variants are reported downstream of the variant. Therefore, this variant is classified as Likely pathogenic according to the recommendation of ACMG/AMP guideline.

NM_012330.4(KAT6B):c.130A>T (p.Lys44Ter)

Gene: KAT6B (lysine acetyltransferase 6B; plus strand). Cytogenetic location: 10q22.2.
Variant type: single nucleotide variant.
Coding change: c.130A>T on transcript NM_012330.4 (MANE Select); coding-DNA position 130, A replaced by T.
Protein change: p.Lys44Ter; replaces lysine 44 with a stop codon.
Molecular consequence: nonsense. On other transcripts: 5 prime UTR variant (2).
Genome position (GRCh38, 1-based): chr10:74,842,987, A>T. VCF-style: chr10-74842987-A-T. GRCh37 (hg19) VCF-style: chr10-76602745-A-T.
Other names: c.130A>T, p.Lys44Ter (NM_001256468.2, NM_001256469.2, NM_001370132.1 and 10 more transcripts); c.-409A>T (NM_001370134.1, NM_001370135.1); short protein forms K44*.
Identifiers: ClinVar variation 1705681 (VCV001705681.1), dbSNP rs2548333540, ClinGen allele CA377399355.
Genomic context (GRCh38, chr10:74,842,987, plus strand): 5'-AAGCAAAGGCCCTCTGAAGAGAGAATCTGCCATGCGGTCAGTACTTCCCATGGGTTGGAT[A>T]AGAAGACAGTCTCTGAACAGCTGGAACTCAGTGTTCAGGATGGCTCAGTTCTCAAAGTCA-3'